The following is an entry in ClinVar:

ClinVar aggregate classification (germline): Likely benign. Review status: criteria provided, multiple submitters, no conflicts (2 of 4 stars). 3 submissions from 3 submitters: Likely benign (3). Last evaluated 2026-08-11.

Conditions:
ADGRV1-related disorder. Also called: ADGRV1-related condition; ADGRV1-related disorders.

Allele frequency attached by ClinVar (database versions not stated): gnomAD exomes below 0.00001; TOPMed below 0.00001.
gnomAD v4.1: 4 of 1,613,884 alleles (0.00025%); highest among the groups gnomAD compares: East Asian, 0.0022%; no homozygotes.

Submissions (3):

PreventionGenetics, part of Exact Sciences
Classification: Likely benign for ADGRV1-related condition. Last evaluated: 2026-08-11. Review status: criteria provided, single submitter. Criteria: ACMG Guidelines, 2015. Collection method: clinical testing. Allele origin: germline.
Comment: This variant is classified as likely benign based on ACMG/AMP sequence variant interpretation guidelines (Richards et al. 2015 PMID: 25741868, with internal and published modifications).

Labcorp Genetics (formerly Invitae), Labcorp
Classification: Likely benign. Last evaluated: 2024-12-23. Review status: criteria provided, single submitter. Criteria: Invitae Variant Classification Sherloc (09022015). Collection method: clinical testing. Allele origin: germline.

Blueprint Genetics
Classification: Likely benign. Last evaluated: 2022-09-09. Review status: criteria provided, single submitter. Criteria: ACMG Guidelines, 2015. Collection method: clinical testing. Allele origin: germline.

NM_032119.4(ADGRV1):c.14187T>C (p.Asp4729=)

Gene: ADGRV1 (adhesion G protein-coupled receptor V1; plus strand). Cytogenetic location: 5q14.3.
Variant type: single nucleotide variant.
Coding change: c.14187T>C on transcript NM_032119.4 (MANE Select); coding-DNA position 14187, T replaced by C.
Protein change: p.Asp4729=; no amino-acid change (aspartic acid 4729 retained).
Molecular consequence: synonymous variant. On other transcripts: non-coding transcript variant (1).
Genome position (GRCh38, 1-based): chr5:90,791,016, T>C. VCF-style: chr5-90791016-T-C. GRCh37 (hg19) VCF-style: chr5-90086833-T-C.
Identifiers: ClinVar variation 744571 (VCV000744571.8), dbSNP rs1581134209, ClinGen allele CA445467393.
Genomic context (GRCh38, chr5:90,791,016, plus strand): 5'-GAGTGAAGCTAGCTTTGATGTTCATTTGCTACCAGATGAGGTACCTGAGATAGAGGAAGA[T>C]TATGTGATCCAGCTTGTTTCTGTAGAGGGAGGAGCCGAACTGGATCTGGAGAAGAGTATC-3'
Protein context (NP_115495.3, residues 4719-4739): LPDEVPEIEE[Asp4729=]YVIQLVSVEG